The following is an entry in ClinVar:

ClinVar aggregate classification (germline): Uncertain significance (1 of 4 stars; one submission).

Conditions:
VPS13B-related disorder. Also called: VPS13B-related condition.

Submission:

PreventionGenetics, part of Exact Sciences
Classification: Uncertain significance for VPS13B-related condition. Last evaluated: 2025-04-07. Review status: criteria provided, single submitter. Criteria: ACMG Guidelines, 2015. Collection method: clinical testing. Allele origin: germline.
Comment: The VPS13B c.5628A>C variant is predicted to result in the amino acid substitution p.Leu1876Phe. To our knowledge, this variant has not been reported in the literature or in a large population database (gnomAD), indicating this variant is rare. At this time, the clinical significance of this variant is uncertain due to the absence of conclusive functional and genetic evidence.

NM_152564.5(VPS13B):c.5628A>C (p.Leu1876Phe)

Gene: VPS13B (vacuolar protein sorting 13 homolog B; plus strand). Cytogenetic location: 8q22.2.
Variant type: single nucleotide variant.
Coding change: c.5628A>C on transcript NM_152564.5 (MANE Select); coding-DNA position 5628, A replaced by C.
Protein change: p.Leu1876Phe; replaces leucine 1876 with phenylalanine.
Molecular consequence: missense variant.
Genome position (GRCh38, 1-based): chr8:99,642,218, A>C. VCF-style: chr8-99642218-A-C. GRCh37 (hg19) VCF-style: chr8-100654446-A-C.
Other names: c.5703A>C, p.Leu1901Phe (NM_017890.5); short protein forms L1901F, L1876F.
Identifiers: ClinVar variation 5002654 (VCV005002654.1).
Genomic context (GRCh38, chr8:99,642,218, plus strand): 5'-TTCAGATGTTGCTAAGCCCAACCAGGCATGTATTTCCACGGTGACAGCAGAAGATCTCTT[A>C]AGGAGCAGCATTTCTTTTCCTTCAGGGAAAAAAATAGGGGTCCTCTCTCTTGAAAGTCTT-3'
Protein context (NP_689777.3, residues 1866-1886): CISTVTAEDL[Leu1876Phe]RSSISFPSGK